The following is an entry in ClinVar:

NM_152296.5(ATP1A3):c.2263G>T (p.Gly755Cys)

Gene: ATP1A3 (ATPase Na+/K+ transporting subunit alpha 3; minus strand). Cytogenetic location: 19q13.2.
Variant type: single nucleotide variant.
Coding change: c.2263G>T on transcript NM_152296.5 (MANE Select); coding-DNA position 2263, G replaced by T.
Protein change: p.Gly755Cys; replaces glycine 755 with cysteine.
Molecular consequence: missense variant.
Genome position (GRCh38, 1-based): chr19:41,975,629, C>A on the plus strand (G>T on the coding strand, the complement: ATP1A3 is on the minus strand). VCF-style: chr19-41975629-C-A. GRCh37 (hg19) VCF-style: chr19-42479781-C-A.
Other names: c.2296G>T, p.Gly766Cys (NM_001256213.2); c.2302G>T, p.Gly768Cys (NM_001256214.2); short protein forms G755C, G766C, G768C.
Identifiers: ClinVar variation 161133 (VCV000161133.51), dbSNP rs557052809, ClinGen allele CA346013.

ClinVar aggregate classification (germline): Pathogenic. Review status: criteria provided, multiple submitters, no conflicts (2 of 4 stars). 3 submissions from 3 submitters: Pathogenic (3). Last evaluated 2026-02-09.

Conditions:
Dystonia 12 (DYT12). Also called: Rapid-Onset Dystonia-Parkinsonism (RDP); DYT-ATP1A3. Identifiers: Orphanet 71517, MedGen C1868681, MONDO:0007496, OMIM 128235.

Submissions (3):

Dasa
Classification: Pathogenic. Last evaluated: 2026-02-09. Review status: criteria provided, single submitter. Criteria: DASA Assertion Criteria. Collection method: clinical testing. Allele origin: germline.
Comment: NM_152296.5(ATP1A3):c.2263G>T (p.Gly755Cys) is a missense variant that results in the substitution of glycine with cysteine. The affected residue or protein region has prior evidence supporting clinical relevance. De novo occurrence has been reported in an individual with related phenotype. This variant has been recurrently observed in individuals with related phenotype (PMID: 23409136; PMID: 24842602; PMID: 25447930; PMID: 26410222; PMID: 22850527). Multiple computational predictions support a deleterious effect on the gene or gene product. The variant is present at low frequency in population datasets. Based on the available data, this variant is classified as pathogenic.

Labcorp Genetics (formerly Invitae), Labcorp
Classification: Pathogenic for Dystonia 12. Last evaluated: 2019-09-06. Review status: criteria provided, single submitter. Criteria: Invitae Variant Classification Sherloc (09022015). Collection method: clinical testing. Allele origin: germline.
Comment: This sequence change replaces glycine with cysteine at codon 755 of the ATP1A3 protein (p.Gly755Cys). The glycine residue is moderately conserved and there is a large physicochemical difference between glycine and cysteine. This variant also falls at the last nucleotide of exon 16 of the ATP1A3 coding sequence, which is part of the consensus splice site for this exon. This variant is not present in population databases (ExAC no frequency). This variant has been observed in individuals affected with alternating hemiplegia of childhood (PMID: 22850527, 23409136, 24842602). ClinVar contains an entry for this variant (Variation ID: 161133). Algorithms developed to predict the effect of missense changes on protein structure and function are either unavailable or do not agree on the potential impact of this missense change (SIFT: "Deleterious"; PolyPhen-2: "Probably Damaging"; Align-GVGD: "Class C0"). Nucleotide substitutions within the consensus splice site are a relatively common cause of aberrant splicing (PMID: 17576681, 9536098). Algorithms developed to predict the effect of sequence changes on RNA splicing suggest that this variant may disrupt the consensus splice site, but this prediction has not been confirmed by published transcriptional studies. For these reasons, this variant has been classified as Pathogenic.

CeGaT Center for Human Genetics Tuebingen
Classification: Pathogenic. Last evaluated: 2017-01-01. Review status: criteria provided, single submitter. Criteria: CeGaT Center For Human Genetics Tuebingen Variant Classification Criteria Version 2. Collection method: clinical testing. Allele origin: germline. Affected: yes. Observed: 1 variant allele.

Literature cited by the submitters: PubMed 23409136 (cited by Dasa and Labcorp Genetics (formerly Invitae), Labcorp); PubMed 24842602 (cited by Dasa and Labcorp Genetics (formerly Invitae), Labcorp); PubMed 25447930 (cited by Dasa); PubMed 26410222 (cited by Dasa); PubMed 22850527 (cited by Dasa and Labcorp Genetics (formerly Invitae), Labcorp); PubMed 17576681 (cited by Labcorp Genetics (formerly Invitae), Labcorp); PubMed 9536098 (cited by Labcorp Genetics (formerly Invitae), Labcorp).